The following is an entry in ClinVar:

ClinVar aggregate classification (germline): Uncertain significance (1 of 4 stars; one submission).

Conditions:
Primary familial hypertrophic cardiomyopathy (HCM). Identifiers: Orphanet 99739, MedGen C0949658, MeSH D024741, MONDO:0024573. Inheritance: Various modes of inheritance.
Dilated cardiomyopathy 1AA (CMD1AA). Also called: CARDIOMYOPATHY, DILATED, 1AA, WITH OR WITHOUT LEFT VENTRICULAR NONCOMPACTION; CARDIOMYOPATHY, FAMILIAL HYPERTROPHIC, 23, WITH OR WITHOUT LEFT VENTRICULAR NONCOMPACTION; Cardiomyopathy, dilated, 1AA, with or without LVNC. Identifiers: Orphanet 154, MedGen C2677338, MONDO:0012808, OMIM 612158.

Allele frequency attached by ClinVar (database versions not stated): gnomAD exomes below 0.00001.
gnomAD v4.1: 1 of 1,614,138 alleles (0.000062%); highest among the groups gnomAD compares: Non-Finnish European, 0.000085%; no homozygotes.

Submission:

Labcorp Genetics (formerly Invitae), Labcorp
Classification: Uncertain significance for Primary familial hypertrophic cardiomyopathy; Dilated cardiomyopathy 1AA. Last evaluated: 2024-03-05. Review status: criteria provided, single submitter. Criteria: Invitae Variant Classification Sherloc (09022015). Collection method: clinical testing. Allele origin: germline.
Comment: This sequence change affects a donor splice site in intron 18 of the ACTN2 gene. It is expected to disrupt RNA splicing. Variants that disrupt the donor or acceptor splice site typically lead to a loss of protein function (PMID: 16199547), however the current clinical and genetic evidence is not sufficient to establish whether loss-of-function variants in ACTN2 cause disease. This variant is not present in population databases (gnomAD no frequency). This variant has not been reported in the literature in individuals affected with ACTN2-related conditions. ClinVar contains an entry for this variant (Variation ID: 1477834). Algorithms developed to predict the effect of sequence changes on RNA splicing suggest that this variant may disrupt the consensus splice site. In summary, the available evidence is currently insufficient to determine the role of this variant in disease. Therefore, it has been classified as a Variant of Uncertain Significance.

Literature cited by the submitters: PubMed 16199547.

NM_001103.4(ACTN2):c.2301+2T>C

Gene: ACTN2 (actinin alpha 2; plus strand). Cytogenetic location: 1q43.
Variant type: single nucleotide variant.
Coding change: c.2301+2T>C on transcript NM_001103.4 (MANE Select); the canonical splice donor site of the intron after coding-DNA position 2301, T replaced by C.
Molecular consequence: splice donor variant.
Genome position (GRCh38, 1-based): chr1:236,757,634, T>C. VCF-style: chr1-236757634-T-C. GRCh37 (hg19) VCF-style: chr1-236920934-T-C.
Other names: c.2301+2T>C (NM_001278343.2).
Identifiers: ClinVar variation 1477834 (VCV001477834.8), dbSNP rs2102947209, ClinGen allele CA345389396.